The following is an entry in ClinVar:

ClinVar aggregate classification (germline): Uncertain significance (1 of 4 stars; one submission).

Conditions:
Hereditary cancer-predisposing syndrome. Also called: Neoplastic Syndromes, Hereditary; Tumor predisposition; Hereditary Cancer Syndrome; Hereditary neoplastic syndrome. Identifiers: Orphanet 140162, MedGen C0027672, MeSH D009386, MONDO:0015356.

Submission:

Ambry Genetics
Classification: Uncertain significance for Hereditary cancer-predisposing syndrome. Last evaluated: 2022-01-11. Review status: criteria provided, single submitter. Criteria: Ambry Variant Classification Scheme 2023. Collection method: clinical testing. Allele origin: germline.
Comment: The c.3879_3908del30 variant (also known as p.C1294_A1303del) is located in coding exon 9 of the MSH6 gene. This variant results from an in-frame deletion of 30 nucleotides (TTGTCCTAAAAGCTATGGCTTTAATGCAGC) at nucleotide positions 3879 to 3908. This results in the in-frame deletion of 10 amino acids at codon positions 1294 to 1303. The deleted amino acid positions are highly conserved in available vertebrate species. Since supporting evidence is limited at this time, the clinical significance of this alteration remains unclear.

NM_000179.3(MSH6):c.3879_3908del (p.Cys1294_Ala1303del)

Gene: MSH6 (mutS homolog 6; plus strand). Cytogenetic location: 2p16.3.
Variant type: Deletion.
Coding change: c.3879_3908del on transcript NM_000179.3 (MANE Select); coding-DNA positions 3879 to 3908, 30 bases deleted (TTGTCCTAAAAGCTATGGCTTTAATGCAGC).
Protein change: p.Cys1294_Ala1303del.
Molecular consequence: inframe deletion. On other transcripts: inframe indel (37).
Genome position (GRCh38, 1-based): chr2:47,806,529-47,806,558, TTGTCCTAAAAGCTATGGCTTTAATGCAGC deleted; deleting any 30 consecutive bases within chr2:47,806,526-47,806,558 gives the same sequence; the c. name uses the placement nearest the transcript's 3' end. VCF-style (leftmost placement, unchanged base first): chr2-47806525-GAGCTTGTCCTAAAAGCTATGGCTTTAATGC-G. GRCh37 (hg19) VCF-style: chr2-48033664-GAGCTTGTCCTAAAAGCTATGGCTTTAATGC-G.
Other names: c.3489_3518del, p.Cys1164_Ala1173del (NM_001281492.2); c.2973_3002del, p.Cys992_Ala1001del (NM_001281493.2, NM_001281494.2); c.3975_4004del30, p.Cys1326_Ala1335del (NM_001406795.1); c.3879_3908del30, p.Cys1294_Ala1303del (NM_001406796.1, NM_001406808.1, NM_001406809.1); c.3582_3611del30, p.Cys1195_Ala1204del (NM_001406797.1, NM_001406801.1, NM_001406805.1 and 10 more transcripts); c.3705_3734del30, p.Cys1236_Ala1245del (NM_001406798.1); c.3354_3383del30, p.Cys1119_Ala1128del (NM_001406799.1, NM_001406806.1, NM_001406807.1); c.3866_3895del30, p.Leu1289_Gln1298del (NM_001406800.1); and 9 more.
Identifiers: ClinVar variation 1735767 (VCV001735767.2), dbSNP rs2530864197, ClinGen allele CA2580067418.